The following is an entry in ClinVar:

NM_001330078.2(NRXN1):c.2427G>A (p.Trp809Ter)

Gene: NRXN1 (neurexin 1; minus strand). Cytogenetic location: 2p16.3.
Variant type: single nucleotide variant.
Coding change: c.2427G>A on transcript NM_001330078.2 (MANE Select); coding-DNA position 2427, G replaced by A.
Protein change: p.Trp809Ter; replaces tryptophan 809 with a stop codon.
Molecular consequence: nonsense.
Genome position (GRCh38, 1-based): chr2:50,506,565, C>T on the plus strand (G>A on the coding strand, the complement: NRXN1 is on the minus strand). VCF-style: chr2-50506565-C-T. GRCh37 (hg19) VCF-style: chr2-50733703-C-T.
Other names: c.2547G>A, p.Trp849Ter (NM_001135659.3); c.2403G>A, p.Trp801Ter (NM_001330077.2, NM_001330082.2); c.2361G>A, p.Trp787Ter (NM_001330083.2, NM_001330084.2); c.2400G>A, p.Trp800Ter (NM_001330085.2); c.2427G>A, p.Trp809Ter (NM_001330086.2, NM_004801.6); c.2316G>A, p.Trp772Ter (NM_001330087.2, NM_001330096.2); c.2346G>A, p.Trp782Ter (NM_001330088.2); c.2424G>A, p.Trp808Ter (NM_001330093.2); and 2 more; short protein forms W782*, W787*, W801*, W805*, W809*, W849*, W792*, W808*.
Identifiers: ClinVar variation 3881113 (VCV003881113.1).

ClinVar aggregate classification (germline): Pathogenic (1 of 4 stars; one submission).

Conditions:
Inborn genetic diseases. Identifiers: MedGen C0950123, MeSH D030342.

Submission:

Ambry Genetics
Classification: Pathogenic for Inborn genetic diseases. Last evaluated: 2025-02-05. Review status: criteria provided, single submitter. Criteria: Ambry Variant Classification Scheme 2023. Collection method: clinical testing. Allele origin: germline.
Comment: The c.2547G>A (p.W849*) alteration, located in exon 14 (coding exon 13) of the NRXN1 gene, consists of a G to A substitution at nucleotide position 2547. This changes the amino acid from a tryptophan (W) to a stop codon at amino acid position 849. This alteration is expected to result in loss of function by premature protein truncation or nonsense-mediated mRNA decay. This variant was not reported in population-based cohorts in the Genome Aggregation Database (gnomAD). Based on the available evidence, this alteration is classified as pathogenic.